The following is an entry in ClinVar:

ClinVar aggregate classification (germline): Uncertain significance (1 of 4 stars; one submission).

Conditions:
Cardiovascular phenotype. Identifiers: MedGen CN230736.

Submission:

Ambry Genetics
Classification: Uncertain significance for Cardiovascular phenotype. Last evaluated: 2021-08-10. Review status: criteria provided, single submitter. Criteria: Ambry Variant Classification Scheme 2023. Collection method: clinical testing. Allele origin: germline.
Comment: The p.E2109K variant (also known as c.6325G>A), located in coding exon 8 of the ALMS1 gene, results from a G to A substitution at nucleotide position 6325. The glutamic acid at codon 2109 is replaced by lysine, an amino acid with similar properties. This amino acid position is not well conserved in available vertebrate species, and lysine is the reference amino acid in other vertebrate species. In addition, this alteration is predicted to be tolerated by in silico analysis. Since supporting evidence is limited at this time, the clinical significance of this alteration remains unclear.

NM_001378454.1(ALMS1):c.6322G>A (p.Glu2108Lys)

Gene: ALMS1 (ALMS1 centrosome and basal body associated protein; plus strand). Cytogenetic location: 2p13.1.
Variant type: single nucleotide variant.
Coding change: c.6322G>A on transcript NM_001378454.1 (MANE Select); coding-DNA position 6322, G replaced by A.
Protein change: p.Glu2108Lys; replaces glutamic acid 2108 with lysine.
Molecular consequence: missense variant.
Genome position (GRCh38, 1-based): chr2:73,452,849, G>A. VCF-style: chr2-73452849-G-A. GRCh37 (hg19) VCF-style: chr2-73679976-G-A.
Other names: c.6325G>A, p.Glu2109Lys (NM_015120.4); short protein forms E2108K, E2109K.
Identifiers: ClinVar variation 1752866 (VCV001752866.2), dbSNP rs2466108749, ClinGen allele CA347285673.
Genomic context (GRCh38, chr2:73,452,849, plus strand): 5'-CCAGTATCTCTCTCTAGTTCTTATTTTCACAGAGAGAAATCGAATATTTTCAGTCCACAG[G>A]AATTGCCAGGTAGTCATGTAACTGAAGATGTGCTGAAGGTTTCAACAATTCCTGGACCAG-3'
Protein context (NP_001365383.1, residues 2098-2118): REKSNIFSPQ[Glu2108Lys]LPGSHVTEDV